The following is an entry in ClinVar:

ClinVar aggregate classification (germline): Conflicting classifications of pathogenicity. Review status: criteria provided, conflicting classifications (1 of 4 stars). 3 submissions from 3 submitters: Uncertain significance (1); Likely benign (2). Last evaluated 2025-04-02.

Conditions:
OTOG-related disorder. Also called: OTOG-related condition.

Allele frequency attached by ClinVar (database versions not stated): gnomAD exomes 0.00012; gnomAD 0.00017; TOPMed 0.00024; ExAC 0.00055.
gnomAD v4.1: 205 of 1,550,514 alleles (0.013%); highest among the groups gnomAD compares: Admixed American, 0.02%; no homozygotes.

Submissions (3):

Labcorp Genetics (formerly Invitae), Labcorp
Classification: Likely benign. Last evaluated: 2025-04-02. Review status: criteria provided, single submitter. Criteria: Invitae Variant Classification Sherloc (09022015). Collection method: clinical testing. Allele origin: germline.

PreventionGenetics, part of Exact Sciences
Classification: Likely benign for OTOG-related condition. Last evaluated: 2025-03-27. Review status: criteria provided, single submitter. Criteria: ACMG Guidelines, 2015. Collection method: clinical testing. Allele origin: germline.
Comment: This variant is classified as likely benign based on ACMG/AMP sequence variant interpretation guidelines (Richards et al. 2015 PMID: 25741868, with internal and published modifications).

GeneDx
Classification: Uncertain significance. Last evaluated: 2024-06-25. Review status: criteria provided, single submitter. Criteria: GeneDx Variant Classification Process June 2021. Collection method: clinical testing. Allele origin: germline. Affected: yes.
Comment: In silico analysis supports that this missense variant has a deleterious effect on protein structure/function; Has not been previously published as pathogenic or benign to our knowledge

NM_001292063.2(OTOG):c.6850C>T (p.Arg2284Cys)

Gene: OTOG (otogelin; plus strand). Cytogenetic location: 11p15.1.
Variant type: single nucleotide variant.
Coding change: c.6850C>T on transcript NM_001292063.2 (MANE Select); coding-DNA position 6850, C replaced by T.
Protein change: p.Arg2284Cys; replaces arginine 2284 with cysteine.
Molecular consequence: missense variant.
Genome position (GRCh38, 1-based): chr11:17,631,839, C>T. VCF-style: chr11-17631839-C-T. GRCh37 (hg19) VCF-style: chr11-17653386-C-T.
Other names: c.6886C>T, p.Arg2296Cys (NM_001277269.2); c.6886C>T (NM_001277269.1); short protein forms R2284C, R2296C.
Identifiers: ClinVar variation 2895980 (VCV002895980.5), dbSNP rs200932405, ClinGen allele CA5906069.